The following is an entry in ClinVar:

ClinVar aggregate classification (germline): Pathogenic (1 of 4 stars; one submission).

Submission:

Labcorp Genetics (formerly Invitae), Labcorp
Classification: Pathogenic. Last evaluated: 2024-04-15. Review status: criteria provided, single submitter. Criteria: Invitae Variant Classification Sherloc (09022015). Collection method: clinical testing. Allele origin: germline.
Comment: This sequence change creates a premature translational stop signal (p.Lys1557*) in the MPDZ gene. It is expected to result in an absent or disrupted protein product. Loss-of-function variants in MPDZ are known to be pathogenic (PMID: 23240096, 28556411). This variant is not present in population databases (gnomAD no frequency). This variant has not been reported in the literature in individuals affected with MPDZ-related conditions. For these reasons, this variant has been classified as Pathogenic.

Literature cited by the submitters: PubMed 23240096; PubMed 28556411.

NM_001378778.1(MPDZ):c.4669A>T (p.Lys1557Ter)

Gene: MPDZ (multiple PDZ domain crumbs cell polarity complex component; minus strand). Cytogenetic location: 9p23.
Variant type: single nucleotide variant.
Coding change: c.4669A>T on transcript NM_001378778.1 (MANE Select); coding-DNA position 4669, A replaced by T.
Protein change: p.Lys1557Ter; replaces lysine 1557 with a stop codon.
Molecular consequence: nonsense.
Genome position (GRCh38, 1-based): chr9:13,125,354, T>A on the plus strand (A>T on the coding strand, the complement: MPDZ is on the minus strand). VCF-style: chr9-13125354-T-A. GRCh37 (hg19) VCF-style: chr9-13125353-T-A.
Other names: c.4459A>T, p.Lys1487Ter (NM_001375424.1, NM_001375425.1, NM_001375426.1 and 4 more transcripts); c.4261A>T, p.Lys1421Ter (NM_001375427.1); c.4669A>T, p.Lys1557Ter (NM_003829.5, NM_001330637.2); c.4768A>T, p.Lys1590Ter (NM_001375413.1); c.4570A>T, p.Lys1524Ter (NM_001375416.1, NM_001375417.1, NM_001375418.1 and 3 more transcripts); short protein forms K1421*, K1487*, K1524*, K1557*, K1590*.
Identifiers: ClinVar variation 3620686 (VCV003620686.2).